The following is an entry in ClinVar:

ClinVar aggregate classification (germline): Uncertain significance (1 of 4 stars; one submission).

gnomAD v4.1: 1 of 1,613,888 alleles (0.000062%); highest among the groups gnomAD compares: South Asian, 0.0011%; no homozygotes.

Submission:

Labcorp Genetics (formerly Invitae), Labcorp
Classification: Uncertain significance. Last evaluated: 2022-06-25. Review status: criteria provided, single submitter. Criteria: Invitae Variant Classification Sherloc (09022015). Collection method: clinical testing. Allele origin: germline.
Comment: In summary, the available evidence is currently insufficient to determine the role of this variant in disease. Therefore, it has been classified as a Variant of Uncertain Significance. This sequence change replaces threonine, which is neutral and polar, with methionine, which is neutral and non-polar, at codon 383 of the FAT4 protein (p.Thr383Met). This variant is not present in population databases (gnomAD no frequency). This variant has not been reported in the literature in individuals affected with FAT4-related conditions. Advanced modeling of protein sequence and biophysical properties (such as structural, functional, and spatial information, amino acid conservation, physicochemical variation, residue mobility, and thermodynamic stability) performed at Invitae indicates that this missense variant is not expected to disrupt FAT4 protein function.

NM_001291303.3(FAT4):c.1148C>T (p.Thr383Met)

Gene: FAT4 (FAT atypical cadherin 4; plus strand). Cytogenetic location: 4q28.1.
Variant type: single nucleotide variant.
Coding change: c.1148C>T on transcript NM_001291303.3 (MANE Select); coding-DNA position 1148, C replaced by T.
Protein change: p.Thr383Met; replaces threonine 383 with methionine.
Molecular consequence: missense variant.
Genome position (GRCh38, 1-based): chr4:125,317,559, C>T. VCF-style: chr4-125317559-C-T. GRCh37 (hg19) VCF-style: chr4-126238714-C-T.
Other names: c.1148C>T, p.Thr383Met (NM_001291285.3, NM_024582.6); short protein forms T383M.
Identifiers: ClinVar variation 1940678 (VCV001940678.5), dbSNP rs2530425532, ClinGen allele CA358117299.